The following is an entry in ClinVar:

NM_178170.3(NEK8):c.1071+1G>A

Gene: NEK8 (NIMA related kinase 8; plus strand). Cytogenetic location: 17q11.2.
Variant type: single nucleotide variant.
Coding change: c.1071+1G>A on transcript NM_178170.3 (MANE Select); the canonical splice donor site of the intron after coding-DNA position 1071, G replaced by A.
Molecular consequence: splice donor variant.
Genome position (GRCh38, 1-based): chr17:28,738,001, G>A. VCF-style: chr17-28738001-G-A. GRCh37 (hg19) VCF-style: chr17-27065019-G-A.
Identifiers: ClinVar variation 3349857 (VCV003349857.1).

ClinVar aggregate classification (germline): Likely pathogenic (0 of 4 stars; one submission).

Conditions:
NEK8-related disorder. Also called: NEK8-related condition.

Submission:

PreventionGenetics, part of Exact Sciences
Classification: Likely pathogenic for NEK8-related condition. Last evaluated: 2024-04-01. Review status: no assertion criteria provided. Collection method: clinical testing. Allele origin: germline.
Comment: The NEK8 c.1071+1G>A variant is predicted to disrupt the GT donor site and interfere with normal splicing. To our knowledge, this variant has not been reported in the literature or in a large population database, indicating this variant is rare. Variants that disrupt the consensus splice donor site in NEK8 are expected to be pathogenic. This variant is interpreted as likely pathogenic.